The following is an entry in ClinVar:

NM_032551.5(KISS1R):c.937T>C (p.Tyr313His)

Gene: KISS1R (KISS1 receptor; plus strand). Cytogenetic location: 19p13.3.
Variant type: single nucleotide variant.
Coding change: c.937T>C on transcript NM_032551.5 (MANE Select); coding-DNA position 937, T replaced by C.
Protein change: p.Tyr313His; replaces tyrosine 313 with histidine.
Molecular consequence: missense variant.
Genome position (GRCh38, 1-based): chr19:920,488, T>C. VCF-style: chr19-920488-T-C. GRCh37 (hg19) VCF-style: chr19-920488-T-C.
Other names: c.937T>C (NM_032551.4); short protein forms Y313H.
Identifiers: ClinVar variation 156474 (VCV000156474.2), dbSNP rs587777844, ClinGen allele CA170908.

ClinVar aggregate classification (germline): Uncertain significance. Review status: criteria provided, single submitter (1 of 4 stars). 2 submissions from 2 submitters: Uncertain significance (1). 1 of the submissions does not count toward it. Last evaluated 2024-09-25.

Conditions:
Hypogonadotropic hypogonadism 8 without anosmia. Identifiers: MedGen C4016875.

Allele frequency attached by ClinVar (database versions not stated): gnomAD 0.00001; gnomAD exomes 0.00001; ExAC 0.00002; TOPMed 0.00002.

Submissions (2):

GeneDx
Classification: Uncertain significance. Last evaluated: 2024-09-25. Review status: criteria provided, single submitter. Criteria: GeneDx Variant Classification Process June 2021. Collection method: clinical testing. Allele origin: germline. Affected: yes.
Comment: In silico analysis supports that this missense variant has a deleterious effect on protein structure/function; This variant is associated with the following publications: (PMID: 23349759, 33275081)

OMIM
Classification: Pathogenic for HYPOGONADOTROPIC HYPOGONADISM 8 WITHOUT ANOSMIA. Last evaluated: 2013-01-01. Review status: no assertion criteria provided. Collection method: literature only. Allele origin: germline. Not counted in ClinVar's aggregate classification.

Literature cited by the submitters: PubMed 23349759 (cited by OMIM).